The following is an entry in ClinVar:

NM_006790.3(MYOT):c.365A>G (p.Gln122Arg)

Genes: PKD2L2-DT (PKD2L2 divergent transcript; minus strand), MYOT (myotilin; plus strand). Cytogenetic location: 5q31.2.
Variant type: single nucleotide variant.
Coding change: c.365A>G on transcript NM_006790.3 (MANE Select); coding-DNA position 365, A replaced by G.
Protein change: p.Gln122Arg; replaces glutamine 122 with arginine.
Molecular consequence: missense variant. On other transcripts: 5 prime UTR variant (1).
Genome position (GRCh38, 1-based): chr5:137,875,837, A>G. VCF-style: chr5-137875837-A-G. GRCh37 (hg19) VCF-style: chr5-137211526-A-G.
Other names: c.-188A>G (NM_001135940.2); c.20A>G, p.Gln7Arg (NM_001300911.2); short protein forms Q122R, Q7R.
Identifiers: ClinVar variation 4738499 (VCV004738499.1).

ClinVar aggregate classification (germline): Uncertain significance (1 of 4 stars; one submission).

Conditions:
Myofibrillar myopathy 3 (MFM3). Also called: Autosomal dominant spheroid body myopathy; Muscular dystrophy, proximal, type 1A. Identifiers: Orphanet 266, Orphanet 268129, MedGen C3714934, MONDO:0012215, OMIM 609200.

Submission:

Labcorp Genetics (formerly Invitae), Labcorp
Classification: Uncertain significance for Myofibrillar myopathy 3. Last evaluated: 2025-02-01. Review status: criteria provided, single submitter. Criteria: Invitae Variant Classification Sherloc (09022015). Collection method: clinical testing. Allele origin: germline.
Comment: This sequence change replaces glutamine, which is neutral and polar, with arginine, which is basic and polar, at codon 122 of the MYOT protein (p.Gln122Arg). This variant is not present in population databases (gnomAD no frequency). This variant has not been reported in the literature in individuals affected with MYOT-related conditions. Invitae Evidence Modeling of protein sequence and biophysical properties (such as structural, functional, and spatial information, amino acid conservation, physicochemical variation, residue mobility, and thermodynamic stability) indicates that this missense variant is not expected to disrupt MYOT protein function with a negative predictive value of 80%. In summary, the available evidence is currently insufficient to determine the role of this variant in disease. Therefore, it has been classified as a Variant of Uncertain Significance.